The following is an entry in ClinVar:

NM_001079855.2(GYG2):c.324+203T>G

Gene: GYG2 (glycogenin 2; plus strand). Cytogenetic location: Xp22.33.
Variant type: single nucleotide variant.
Coding change: c.324+203T>G on transcript NM_001079855.2 (MANE Select); 203 bases into the intron after coding-DNA position 324, T replaced by G.
Molecular consequence: intron variant.
Genome position (GRCh38, 1-based): chrX:2,854,357, T>G. VCF-style: chrX-2854357-T-G. GRCh37 (hg19) VCF-style: chrX-2772398-T-G.
Other names: c.417+203T>G (NM_003918.3, NM_001184703.2); c.324+203T>G (NM_001184702.2); c.-142+203T>G (NM_001184704.2).
Identifiers: ClinVar variation 684114 (VCV000684114.1), dbSNP rs6420593, ClinGen allele CA325965302.

ClinVar aggregate classification (germline): Benign (1 of 4 stars; one submission).

Allele frequency attached by ClinVar (database versions not stated): gnomAD 0.93851; TOPMed 0.92517; 1000 Genomes Project 30x 0.92570; 1000 Genomes Project 0.93351.

Submission:

GeneDx
Classification: Benign. Last evaluated: 2018-06-14. Review status: criteria provided, single submitter. Criteria: GeneDx Variant Classification (06012015). Collection method: clinical testing. Allele origin: germline. Affected: yes.
Comment: This variant is considered likely benign or benign based on one or more of the following criteria: it is a conservative change, it occurs at a poorly conserved position in the protein, it is predicted to be benign by multiple in silico algorithms, and/or has population frequency not consistent with disease.